The following is an entry in ClinVar:

NM_001130413.4(SCNN1D):c.1033C>T (p.His345Tyr)

Gene: SCNN1D (sodium channel epithelial 1 subunit delta; plus strand). Cytogenetic location: 1p36.33.
Variant type: single nucleotide variant.
Coding change: c.1033C>T on transcript NM_001130413.4 (MANE Select); coding-DNA position 1033, C replaced by T.
Protein change: p.His345Tyr; replaces histidine 345 with tyrosine.
Molecular consequence: missense variant. On other transcripts: non-coding transcript variant (1).
Genome position (GRCh38, 1-based): chr1:1,286,889, C>T. VCF-style: chr1-1286889-C-T. GRCh37 (hg19) VCF-style: chr1-1222269-C-T.
Other names: short protein forms H345Y.
Identifiers: ClinVar variation 3239029 (VCV003239029.19), dbSNP rs148117452.

ClinVar aggregate classification (germline): Likely benign (1 of 4 stars; one submission).

Allele frequency attached by ClinVar (database versions not stated): 1000 Genomes Project 30x 0.00109; 1000 Genomes Project 0.00120.
gnomAD v4.1: 1,703 of 1,612,626 alleles (0.11%); highest among the groups gnomAD compares: South Asian, 0.93%; 14 homozygotes.

Submission:

CeGaT Center for Human Genetics Tuebingen
Classification: Likely benign. Last evaluated: 2024-05-01. Review status: criteria provided, single submitter. Criteria: CeGaT Center For Human Genetics Tuebingen Variant Classification Criteria Version 2. Collection method: clinical testing. Allele origin: germline. Affected: yes. Observed: 1 variant allele.
Comment: SCNN1D: BP4, BS2